The following is an entry in ClinVar:

ClinVar aggregate classification (germline): Uncertain significance (1 of 4 stars; one submission).

Conditions:
Infantile-onset X-linked spinal muscular atrophy. Also called: AMC, DISTAL, X-LINKED; ARTHROGRYPOSIS, X-LINKED, TYPE I; SPINAL MUSCULAR ATROPHY, X-LINKED LETHAL INFANTILE; Spinal muscular atrophy, X-linked 2; Spinal Muscular Atrophy, X-Linked Infantile. Identifiers: Orphanet 1145, MedGen C1844934, MONDO:0010532, OMIM 301830.

Submission:

Labcorp Genetics (formerly Invitae), Labcorp
Classification: Uncertain significance for Infantile-onset X-linked spinal muscular atrophy. Last evaluated: 2023-05-31. Review status: criteria provided, single submitter. Criteria: Invitae Variant Classification Sherloc (09022015). Collection method: clinical testing. Allele origin: germline.
Comment: In summary, the available evidence is currently insufficient to determine the role of this variant in disease. Therefore, it has been classified as a Variant of Uncertain Significance. This variant has not been reported in the literature in individuals affected with UBA1-related conditions. This variant is not present in population databases (gnomAD no frequency). This sequence change disrupts the translational stop signal of the UBA1 mRNA. It is expected to extend the length of the UBA1 protein by 6 additional amino acid residues.

NM_003334.4(UBA1):c.3177A>G (p.Ter1059Trp)

Gene: UBA1 (ubiquitin like modifier activating enzyme 1; plus strand). Cytogenetic location: Xp11.3.
Variant type: single nucleotide variant.
Coding change: c.3177A>G on transcript NM_003334.4 (MANE Select); coding-DNA position 3177, A replaced by G.
Protein change: p.Ter1059Trp.
Molecular consequence: stop lost.
Genome position (GRCh38, 1-based): chrX:47,214,929, A>G. VCF-style: chrX-47214929-A-G. GRCh37 (hg19) VCF-style: chrX-47074328-A-G.
Other names: c.3177A>G, p.Ter1059Trp (NM_153280.3).
Identifiers: ClinVar variation 2798883 (VCV002798883.3), dbSNP rs2521700009, ClinGen allele CA412812628.